The following is an entry in ClinVar:

NM_177438.3(DICER1):c.1753-3C>G

Gene: DICER1 (dicer 1, ribonuclease III; minus strand). Cytogenetic location: 14q32.13.
Variant type: single nucleotide variant.
Coding change: c.1753-3C>G on transcript NM_177438.3 (MANE Select); 3 bases into the intron before coding-DNA position 1753, C replaced by G.
Molecular consequence: intron variant.
Genome position (GRCh38, 1-based): chr14:95,115,824, G>C on the plus strand (C>G on the coding strand, the complement: DICER1 is on the minus strand). VCF-style: chr14-95115824-G-C. GRCh37 (hg19) VCF-style: chr14-95582161-G-C.
Other names: c.1753-3C>G (NM_001291628.2, NM_030621.4, NM_001395677.1 and 12 more transcripts); c.1348-3C>G (NM_001395690.1, NM_001395687.1, NM_001395689.1 and 3 more transcripts); c.1471-3C>G (NM_001395686.1); c.1186-3C>G (NM_001395691.1); c.70-3C>G (NM_001395697.1).
Identifiers: ClinVar variation 2120129 (VCV002120129.4), dbSNP rs1595407321, ClinGen allele CA2580089021.

ClinVar aggregate classification (germline): Uncertain significance (1 of 4 stars; one submission).

Conditions:
DICER1-related tumor predisposition. Also called: DICER1 syndrome; DICER1-related pleuropulmonary blastoma cancer predisposition syndrome. Identifiers: Orphanet 284343, MedGen C3839822, MONDO:0100216.

gnomAD v4.1: 1 of 1,613,886 alleles (0.000062%); highest among the groups gnomAD compares: Non-Finnish European, 0.000085%; no homozygotes.

Submission:

Labcorp Genetics (formerly Invitae), Labcorp
Classification: Uncertain significance for DICER1-related tumor predisposition. Last evaluated: 2022-04-01. Review status: criteria provided, single submitter. Criteria: Invitae Variant Classification Sherloc (09022015). Collection method: clinical testing. Allele origin: germline.
Comment: In summary, the available evidence is currently insufficient to determine the role of this variant in disease. Therefore, it has been classified as a Variant of Uncertain Significance. Variants that disrupt the consensus splice site are a relatively common cause of aberrant splicing (PMID: 17576681, 9536098). Algorithms developed to predict the effect of sequence changes on RNA splicing suggest that this variant may create or strengthen a splice site. This variant has not been reported in the literature in individuals affected with DICER1-related conditions. This variant is not present in population databases (gnomAD no frequency). This sequence change falls in intron 10 of the DICER1 gene. It does not directly change the encoded amino acid sequence of the DICER1 protein. It affects a nucleotide within the consensus splice site.

Literature cited by the submitters: PubMed 17576681; PubMed 9536098.